The following is an entry in ClinVar:

ClinVar aggregate classification (germline): Conflicting classifications of pathogenicity. Review status: criteria provided, conflicting classifications (1 of 4 stars). 5 submissions from 5 submitters: Uncertain significance (3); Likely benign (2). Last evaluated 2023-09-15.

Conditions:
Cardiovascular phenotype. Identifiers: MedGen CN230736.

Allele frequency attached by ClinVar (database versions not stated): ExAC 0.00003; gnomAD 0.00003 and 0.00004; gnomAD exomes 0.00004 and 0.00007; TOPMed 0.00004.
gnomAD v4.1: 107 of 1,612,512 alleles (0.0066%); highest among the groups gnomAD compares: Non-Finnish European, 0.0087%; no homozygotes.

Submissions (5):

Revvity Omics, Revvity
Classification: Uncertain significance. Last evaluated: 2023-09-15. Review status: criteria provided, single submitter. Criteria: ACMG Guidelines, 2015. Collection method: clinical testing. Allele origin: germline.

Blueprint Genetics
Classification: Likely benign. Last evaluated: 2021-12-09. Review status: criteria provided, single submitter. Criteria: ACMG Guidelines, 2015. Collection method: clinical testing. Allele origin: germline.

Ambry Genetics
Classification: Uncertain significance for Cardiovascular phenotype. Last evaluated: 2020-03-18. Review status: criteria provided, single submitter. Criteria: Ambry Variant Classification Scheme 2023. Collection method: clinical testing. Allele origin: germline.
Comment: The p.I7126V variant (also known as c.21376A>G), located in coding exon 86 of the TTN gene, results from an A to G substitution at nucleotide position 21376. The isoleucine at codon 7126 is replaced by valine, an amino acid with highly similar properties. This amino acid position is not well conserved in available vertebrate species. In addition, this alteration is predicted to be tolerated by in silico analysis. Since supporting evidence is limited at this time, the clinical significance of this alteration remains unclear.

GeneDx
Classification: Likely benign. Last evaluated: 2019-08-16. Review status: criteria provided, single submitter. Criteria: GeneDx Variant Classification Process June 2021. Collection method: clinical testing. Allele origin: germline. Affected: yes.
Comment: See Variant Classification Assertion Criteria.

Eurofins Ntd Llc (ga)
Classification: Uncertain significance. Last evaluated: 2017-04-20. Review status: criteria provided, single submitter. Criteria: EGL Classification Definitions 2015. Collection method: clinical testing. Allele origin: germline. Observed: 1 variant allele, 1 heterozygote.

NM_001267550.2(TTN):c.48571A>G (p.Ile16191Val)

Genes: TTN (titin; minus strand), TTN-AS1 (TTN antisense RNA 1; plus strand). Cytogenetic location: 2q31.2.
Variant type: single nucleotide variant.
Coding change: c.48571A>G on transcript NM_001267550.2 (MANE Select); coding-DNA position 48571, A replaced by G.
Protein change: p.Ile16191Val; replaces isoleucine 16191 with valine.
Molecular consequence: missense variant. On other transcripts: non-coding transcript variant (1).
Genome position (GRCh38, 1-based): chr2:178,615,374, T>C on the plus strand (A>G on the coding strand, the complement: TTN is on the minus strand). VCF-style: chr2-178615374-T-C. GRCh37 (hg19) VCF-style: chr2-179480101-T-C.
Other names: c.43648A>G, p.Ile14550Val (NM_001256850.1); c.21376A>G, p.Ile7126Val (NM_003319.4); c.40867A>G, p.Ile13623Val (NM_133378.4); c.21751A>G, p.Ile7251Val (NM_133432.3); c.21952A>G, p.Ile7318Val (NM_133437.4); short protein forms I13623V, I16191V, I7126V, I14550V, I7251V, I7318V.
Identifiers: ClinVar variation 501485 (VCV000501485.11), dbSNP rs747433688, ClinGen allele CA1994787.